The following is an entry in ClinVar:

NM_017780.4(CHD7):c.5547T>G (p.Asp1849Glu)

Gene: CHD7 (chromodomain helicase DNA binding protein 7; plus strand). Cytogenetic location: 8q12.2.
Variant type: single nucleotide variant.
Coding change: c.5547T>G on transcript NM_017780.4 (MANE Select); coding-DNA position 5547, T replaced by G.
Protein change: p.Asp1849Glu; replaces aspartic acid 1849 with glutamic acid.
Molecular consequence: missense variant. On other transcripts: intron variant (1).
Genome position (GRCh38, 1-based): chr8:60,851,044, T>G. VCF-style: chr8-60851044-T-G. GRCh37 (hg19) VCF-style: chr8-61763603-T-G.
Other names: c.1717-11185T>G (NM_001316690.1); short protein forms D1849E.
Identifiers: ClinVar variation 2715564 (VCV002715564.3), dbSNP rs2488021094, ClinGen allele CA371321924.

ClinVar aggregate classification (germline): Uncertain significance (1 of 4 stars; one submission).

Conditions:
CHARGE syndrome (CHARGE). Also called: Hittner Hirsch Kreh syndrome; CHARGE ASSOCIATION--COLOBOMA, HEART ANOMALY, CHOANAL ATRESIA, RETARDATION, GENITAL AND EAR ANOMALIES; Coloboma, heart anomaly, choanal atresia, retardation, genital and ear anomalies; CHARGE association; Hall-Hittner syndrome. Identifiers: Orphanet 138, MedGen C0265354, MONDO:0008965.

Submission:

Labcorp Genetics (formerly Invitae), Labcorp
Classification: Uncertain significance for CHARGE syndrome. Last evaluated: 2023-06-15. Review status: criteria provided, single submitter. Criteria: Invitae Variant Classification Sherloc (09022015). Collection method: clinical testing. Allele origin: germline.
Comment: This variant has not been reported in the literature in individuals affected with CHD7-related conditions. This variant is not present in population databases (gnomAD no frequency). This sequence change replaces aspartic acid, which is acidic and polar, with glutamic acid, which is acidic and polar, at codon 1849 of the CHD7 protein (p.Asp1849Glu). Advanced modeling of protein sequence and biophysical properties (such as structural, functional, and spatial information, amino acid conservation, physicochemical variation, residue mobility, and thermodynamic stability) performed at Invitae indicates that this missense variant is not expected to disrupt CHD7 protein function. In summary, the available evidence is currently insufficient to determine the role of this variant in disease. Therefore, it has been classified as a Variant of Uncertain Significance.